The following is an entry in ClinVar:

ClinVar aggregate classification (germline): Likely pathogenic (1 of 4 stars; one submission).

Conditions:
CARD9-related disorder. Also called: CARD9-related condition.

gnomAD v4.1: 1 of 1,599,414 alleles (0.000063%); highest among the groups gnomAD compares: Admixed American, 0.0017%; no homozygotes.

Submission:

PreventionGenetics, part of Exact Sciences
Classification: Likely pathogenic for CARD9-related condition. Last evaluated: 2024-12-23. Review status: criteria provided, single submitter. Criteria: ACMG Guidelines, 2015. Collection method: clinical testing. Allele origin: germline.
Comment: The CARD9 c.1228G>T variant is predicted to result in premature protein termination (p.Glu410*). This variant has been reported in an individual with colorectal cancer (Esteban-Jurado et al. 2015. PubMed ID: 25058500). This variant is reported in 0.00098% of alleles in individuals of European (Non-Finnish) descent in gnomAD. Nonsense variants in CARD9 are expected to be pathogenic. This variant is interpreted as likely pathogenic.

NM_052813.5(CARD9):c.1228G>T (p.Glu410Ter)

Gene: CARD9 (caspase recruitment domain family member 9; minus strand). Cytogenetic location: 9q34.3.
Variant type: single nucleotide variant.
Coding change: c.1228G>T on transcript NM_052813.5 (MANE Select); coding-DNA position 1228, G replaced by T.
Protein change: p.Glu410Ter; replaces glutamic acid 410 with a stop codon.
Molecular consequence: nonsense.
Genome position (GRCh38, 1-based): chr9:136,367,678, C>A on the plus strand (G>T on the coding strand, the complement: CARD9 is on the minus strand). VCF-style: chr9-136367678-C-A. GRCh37 (hg19) VCF-style: chr9-139262130-C-A.
Other names: c.1228G>T, p.Glu410Ter (NM_052814.4); short protein forms E410*.
Identifiers: ClinVar variation 4985800 (VCV004985800.1).
Genomic context (GRCh38, chr9:136,367,678, plus strand): 5'-CCGCAGGCCCCAGGCCCACCAGGACGAGCGTCTCCAGCTGCTGCCGCCTGAGCCTGCCCT[C>A]CACGGCCAGTAGCTGCGCCTCACACTGGAACACCTGCAGCTGCAGCTCATCCGCCTTCTC-3'